The following is an entry in ClinVar:

NM_017763.6(RNF43):c.543G>A (p.Lys181=)

Gene: RNF43 (ring finger protein 43; minus strand). Cytogenetic location: 17q22.
Variant type: single nucleotide variant.
Coding change: c.543G>A on transcript NM_017763.6 (MANE Select); coding-DNA position 543, G replaced by A.
Protein change: p.Lys181=; no amino-acid change (lysine 181 retained).
Molecular consequence: synonymous variant.
Genome position (GRCh38, 1-based): chr17:58,363,314, C>T on the plus strand (G>A on the coding strand, the complement: RNF43 is on the minus strand). VCF-style: chr17-58363314-C-T. GRCh37 (hg19) VCF-style: chr17-56440675-C-T.
Other names: c.543G>A, p.Lys181= (NM_001305544.3); c.162G>A, p.Lys54= (NM_001305545.2).
Identifiers: ClinVar variation 2886541 (VCV002886541.5), dbSNP rs2143467584, ClinGen allele CA501057436.

ClinVar aggregate classification (germline): Benign/Likely benign. Review status: criteria provided, multiple submitters, no conflicts (2 of 4 stars). 3 submissions from 3 submitters: Benign (1); Likely benign (2). Last evaluated 2026-06-30.

Conditions:
Sessile serrated polyposis cancer syndrome (SSPCS). Identifiers: Orphanet 157798, MedGen C4310714, MONDO:0014919, OMIM 617108.

Allele frequency attached by ClinVar (database versions not stated): gnomAD exomes below 0.00001.
gnomAD v4.1: 3 of 1,614,152 alleles (0.00019%); highest among the groups gnomAD compares: Non-Finnish European, 0.00025%; no homozygotes.

Submissions (3):

Myriad Genetics, Inc.
Classification: Benign for Sessile serrated polyposis cancer syndrome. Last evaluated: 2026-06-30. Review status: criteria provided, single submitter. Criteria: Myriad Autosomal Dominant, Autosomal Recessive and X-Linked Classification Criteria (2023). Collection method: clinical testing. Allele origin: unknown.
Comment: This variant is considered benign. This variant is a silent/synonymous amino acid change and it is not expected to impact splicing.

Ambry Genetics
Classification: Likely benign. Last evaluated: 2025-03-04. Review status: criteria provided, single submitter. Criteria: Ambry Variant Classification Scheme 2023. Collection method: clinical testing. Allele origin: germline.

Labcorp Genetics (formerly Invitae), Labcorp
Classification: Likely benign. Last evaluated: 2022-12-17. Review status: criteria provided, single submitter. Criteria: Invitae Variant Classification Sherloc (09022015). Collection method: clinical testing. Allele origin: germline.